The following is an entry in ClinVar:

ClinVar aggregate classification (germline): Uncertain significance (1 of 4 stars; one submission).

Conditions:
Neuromuscular disease caused by qualitative or quantitative defects of dysferlin. Also called: Dysferlinopathy; Qualitative or quantitative defects of dysferlin. Identifiers: Orphanet 207073, MedGen C2931687, MONDO:0016145.

Submission:

Labcorp Genetics (formerly Invitae), Labcorp
Classification: Uncertain significance for Neuromuscular disease caused by qualitative or quantitative defects of dysferlin. Last evaluated: 2021-12-31. Review status: criteria provided, single submitter. Criteria: Invitae Variant Classification Sherloc (09022015). Collection method: clinical testing. Allele origin: germline.
Comment: This sequence change replaces glycine, which is neutral and non-polar, with aspartic acid, which is acidic and polar, at codon 56 of the DYSF protein (p.Gly56Asp). This variant is not present in population databases (gnomAD no frequency). This variant has not been reported in the literature in individuals affected with DYSF-related conditions. Advanced modeling of protein sequence and biophysical properties (such as structural, functional, and spatial information, amino acid conservation, physicochemical variation, residue mobility, and thermodynamic stability) performed at Invitae indicates that this missense variant is not expected to disrupt DYSF protein function. In summary, the available evidence is currently insufficient to determine the role of this variant in disease. Therefore, it has been classified as a Variant of Uncertain Significance.

NM_001130987.2(DYSF):c.170G>A (p.Gly57Asp)

Gene: DYSF (dysferlin; plus strand). Cytogenetic location: 2p13.2.
Variant type: single nucleotide variant.
Coding change: c.170G>A on transcript NM_001130987.2 (MANE Select); coding-DNA position 170, G replaced by A.
Protein change: p.Gly57Asp; replaces glycine 57 with aspartic acid.
Molecular consequence: missense variant.
Genome position (GRCh38, 1-based): chr2:71,481,901, G>A. VCF-style: chr2-71481901-G-A. GRCh37 (hg19) VCF-style: chr2-71709031-G-A.
Other names: c.170G>A, p.Gly57Asp (NM_001130455.2, NM_001130982.2, NM_001130983.2 and 3 more transcripts); c.167G>A, p.Gly56Asp (NM_001130976.2, NM_001130977.2, NM_001130978.2 and 4 more transcripts); short protein forms G56D, G57D.
Identifiers: ClinVar variation 1520487 (VCV001520487.3), dbSNP rs2152682681, ClinGen allele CA347216295.